The following is an entry in ClinVar:

ClinVar aggregate classification (germline): Likely pathogenic (1 of 4 stars; one submission).

gnomAD v4.1: 6 of 1,614,020 alleles (0.00037%); highest among the groups gnomAD compares: African/African-American, 0.0013%; no homozygotes.

Submission:

Labcorp Genetics (formerly Invitae), Labcorp
Classification: Likely pathogenic. Last evaluated: 2023-01-13. Review status: criteria provided, single submitter. Criteria: Invitae Variant Classification Sherloc (09022015). Collection method: clinical testing. Allele origin: germline.
Comment: This variant has not been reported in the literature in individuals affected with COL17A1-related conditions. In summary, the currently available evidence indicates that the variant is pathogenic, but additional data are needed to prove that conclusively. Therefore, this variant has been classified as Likely Pathogenic. Algorithms developed to predict the effect of sequence changes on RNA splicing suggest that this variant may disrupt the consensus splice site. This variant is present in population databases (rs760697124, gnomAD 0.007%). This sequence change affects a donor splice site in intron 23 of the COL17A1 gene. It is expected to disrupt RNA splicing. Variants that disrupt the donor or acceptor splice site typically lead to a loss of protein function (PMID: 16199547), and loss-of-function variants in COL17A1 are known to be pathogenic (PMID: 16473856, 17344927, 20301304, 21357940, 24319098).

Literature cited by the submitters: PubMed 16199547; PubMed 16473856; PubMed 17344927; PubMed 20301304; PubMed 21357940; PubMed 24319098.

NM_000494.4(COL17A1):c.1939+1G>A

Gene: COL17A1 (collagen type XVII alpha 1 chain; minus strand). Cytogenetic location: 10q25.1.
Variant type: single nucleotide variant.
Coding change: c.1939+1G>A on transcript NM_000494.4 (MANE Select); the canonical splice donor site of the intron after coding-DNA position 1939, G replaced by A.
Molecular consequence: splice donor variant.
Genome position (GRCh38, 1-based): chr10:104,053,030, C>T on the plus strand (G>A on the coding strand, the complement: COL17A1 is on the minus strand). VCF-style: chr10-104053030-C-T. GRCh37 (hg19) VCF-style: chr10-105812788-C-T.
Identifiers: ClinVar variation 2909382 (VCV002909382.3), dbSNP rs760697124, ClinGen allele CA5678809.
Genomic context (GRCh38, chr10:104,053,030, plus strand): 5'-TTGACAGAGAGAAGGAAGCACAGGCATAGCTAACTCTGCCGGTGAAGGAATTGCCTCTTA[C>T]CTCTTTCCCCTTTCTCTCCAGATCCAGGAGGCCCTGCCTCACCACGAGGTCCCATGGGGC-3'